The following is an entry in ClinVar:

NM_182760.4(SUMF1):c.593T>C (p.Ile198Thr)

Gene: SUMF1 (sulfatase modifying factor 1; minus strand). Cytogenetic location: 3p26.1.
Variant type: single nucleotide variant.
Coding change: c.593T>C on transcript NM_182760.4 (MANE Select); coding-DNA position 593, T replaced by C.
Protein change: p.Ile198Thr; replaces isoleucine 198 with threonine.
Molecular consequence: missense variant.
Genome position (GRCh38, 1-based): chr3:4,420,073, A>G on the plus strand (T>C on the coding strand, the complement: SUMF1 is on the minus strand). VCF-style: chr3-4420073-A-G. GRCh37 (hg19) VCF-style: chr3-4461757-A-G.
Other names: c.518T>C, p.Ile173Thr (NM_001164674.2); c.593T>C, p.Ile198Thr (NM_001164675.2); short protein forms I173T, I198T.
Identifiers: ClinVar variation 1447209 (VCV001447209.4), dbSNP rs545327769, ClinGen allele CA2230546.

ClinVar aggregate classification (germline): Uncertain significance (1 of 4 stars; one submission).

Conditions:
Multiple sulfatase deficiency (MSD). Also called: Mucosulfatidosis; Multiple Sulfatase Deficiency Disease; Sulfatidosis, Juvenile, Austin Type. Identifiers: Orphanet 585, MedGen C0268263, MONDO:0010088, OMIM 272200.

Allele frequency attached by ClinVar (database versions not stated): TOPMed 0.00002; gnomAD 0.00003; gnomAD exomes 0.00003; ExAC 0.00005; 1000 Genomes Project 0.00020; 1000 Genomes Project 30x 0.00031.
gnomAD v4.1: 14 of 1,614,064 alleles (0.00087%); highest among the groups gnomAD compares: African/African-American, 0.008%; no homozygotes.

Submission:

Labcorp Genetics (formerly Invitae), Labcorp
Classification: Uncertain significance for Multiple sulfatase deficiency. Last evaluated: 2025-01-06. Review status: criteria provided, single submitter. Criteria: Invitae Variant Classification Sherloc (09022015). Collection method: clinical testing. Allele origin: germline.
Comment: This sequence change replaces isoleucine, which is neutral and non-polar, with threonine, which is neutral and polar, at codon 198 of the SUMF1 protein (p.Ile198Thr). This variant is present in population databases (rs545327769, gnomAD 0.01%). This variant has not been reported in the literature in individuals affected with SUMF1-related conditions. ClinVar contains an entry for this variant (Variation ID: 1447209). Invitae Evidence Modeling of protein sequence and biophysical properties (such as structural, functional, and spatial information, amino acid conservation, physicochemical variation, residue mobility, and thermodynamic stability) has been performed for this missense variant. However, the output from this modeling did not meet the statistical confidence thresholds required to predict the impact of this variant on SUMF1 protein function. In summary, the available evidence is currently insufficient to determine the role of this variant in disease. Therefore, it has been classified as a Variant of Uncertain Significance.